The following is an entry in ClinVar:

ClinVar aggregate classification (germline): Likely benign. Review status: criteria provided, single submitter (1 of 4 stars). 2 submissions from 2 submitters: Likely benign (1). 1 of the submissions does not count toward it. Last evaluated 2025-09-03.

Conditions:
IFT74-related disorder. Also called: IFT74-related condition; IFT74-Related Disorders.

Allele frequency attached by ClinVar (database versions not stated): ExAC 0.00002; gnomAD exomes 0.00005 and 0.00008; gnomAD 0.00007 and 0.00009; ESP Exome Variant Server 0.00008; TOPMed 0.00014.
gnomAD v4.1: 130 of 1,612,598 alleles (0.0081%); highest among the groups gnomAD compares: African/African-American, 0.029%; no homozygotes.

Submissions (2):

Labcorp Genetics (formerly Invitae), Labcorp
Classification: Likely benign. Last evaluated: 2025-09-03. Review status: criteria provided, single submitter. Criteria: Invitae Variant Classification Sherloc (09022015). Collection method: clinical testing. Allele origin: germline.

PreventionGenetics, part of Exact Sciences
Classification: Likely benign for IFT74-related condition. Last evaluated: 2021-08-03. Review status: no assertion criteria provided. Collection method: clinical testing. Allele origin: germline. Not counted in ClinVar's aggregate classification.
Comment: This variant is classified as likely benign based on ACMG/AMP sequence variant interpretation guidelines (Richards et al. 2015 PMID: 25741868, with internal and published modifications).

NM_025103.4(IFT74):c.252G>A (p.Thr84=)

Gene: IFT74 (intraflagellar transport 74; plus strand). Cytogenetic location: 9p21.2.
Variant type: single nucleotide variant.
Coding change: c.252G>A on transcript NM_025103.4 (MANE Select); coding-DNA position 252, G replaced by A.
Protein change: p.Thr84=; no amino-acid change (threonine 84 retained).
Molecular consequence: synonymous variant.
Genome position (GRCh38, 1-based): chr9:26,978,259, G>A. VCF-style: chr9-26978259-G-A. GRCh37 (hg19) VCF-style: chr9-26978257-G-A.
Other names: c.252G>A, p.Thr84= (NM_001099222.3, NM_001099223.3, NM_001099224.3 and 1 more transcripts); c.252G>A (NM_025103.2).
Identifiers: ClinVar variation 720134 (VCV000720134.10), dbSNP rs374010822, ClinGen allele CA5014859.